The following is an entry in ClinVar:

NM_003060.4(SLC22A5):c.247dup (p.Arg83fs)

Gene: SLC22A5 (solute carrier family 22 member 5; plus strand). Cytogenetic location: 5q31.1.
Variant type: Duplication.
Coding change: c.247dup on transcript NM_003060.4 (MANE Select); coding-DNA position 247, one base duplicated (C; older notation c.247dupC).
Protein change: p.Arg83fs; shifts the reading frame from arginine 83.
Molecular consequence: frameshift variant.
Genome position (GRCh38, 1-based): chr5:132,370,219, C duplicated; the last of 2 consecutive C bases (chr5:132,370,218-132,370,219); duplicating either gives the same sequence. VCF-style (leftmost placement, unchanged base first): chr5-132370217-G-GC. GRCh37 (hg19) VCF-style: chr5-131705909-G-GC.
Other names: c.247dup, p.Arg83fs (NM_001308122.2); short protein forms R83fs.
Identifiers: ClinVar variation 5012106 (VCV005012106.1).

ClinVar aggregate classification (germline): Pathogenic (1 of 4 stars; one submission).

Conditions:
Renal carnitine transport defect (CDSP). Also called: CARNITINE DEFICIENCY, SYSTEMIC, DUE TO DEFECT IN RENAL REABSORPTION OF CARNITINE; CARNITINE TRANSPORTER, PLASMA-MEMBRANE, DEFICIENCY OF; CARNITINE UPTAKE DEFECT; Primary carnitine deficiency; Systemic primary carnitine deficiency; Carnitine transporter deficiency. Identifiers: Orphanet 158, MedGen C0342788, MONDO:0008919, OMIM 212140.

Submission:

Myriad Genetics, Inc.
Classification: Pathogenic for Renal carnitine transport defect. Last evaluated: 2023-09-27. Review status: criteria provided, single submitter. Criteria: Myriad Autosomal Dominant, Autosomal Recessive and X-Linked Classification Criteria (2023). Collection method: clinical testing. Allele origin: unknown.
Comment: NM_003060.3(SLC22A5):c.247dupC(R83Pfs*55) is expected to be pathogenic in the context of primary carnitine deficiency. This variant is predicted to lead to an abnormal or absent protein product due to the creation of a premature termination codon in SLC22A5, a gene where loss-of-function variants are known to be pathogenic. Please note: this variant was assessed in the context of healthy population screening.